The following is an entry in ClinVar:

NM_001429.4(EP300):c.4624A>G (p.Lys1542Glu)

Gene: EP300 (EP300 lysine acetyltransferase; plus strand). Cytogenetic location: 22q13.2.
Variant type: single nucleotide variant.
Coding change: c.4624A>G on transcript NM_001429.4 (MANE Select); coding-DNA position 4624, A replaced by G.
Protein change: p.Lys1542Glu; replaces lysine 1542 with glutamic acid.
Molecular consequence: missense variant.
Genome position (GRCh38, 1-based): chr22:41,173,629, A>G. VCF-style: chr22-41173629-A-G. GRCh37 (hg19) VCF-style: chr22-41569633-A-G.
Other names: c.4546A>G, p.Lys1516Glu (NM_001362843.2); short protein forms K1516E, K1542E.
Identifiers: ClinVar variation 1304637 (VCV001304637.8), dbSNP rs374162524, ClinGen allele CA10253488.

ClinVar aggregate classification (germline): Conflicting classifications of pathogenicity. Review status: criteria provided, conflicting classifications (1 of 4 stars). 3 submissions from 3 submitters: Uncertain significance (1); Likely benign (2). Last evaluated 2026-05-15.

Conditions:
EP300-related disorder. Also called: EP300-related condition; EP300-related disorders.
Rubinstein-Taybi syndrome due to EP300 haploinsufficiency. Also called: EP300-Related Rubinstein-Taybi Syndrome; RUBINSTEIN-TAYBI SYNDROME 2. Identifiers: Orphanet 353284, Orphanet 783, MedGen C3150941, MONDO:0013364, OMIM 613684.

Allele frequency attached by ClinVar (database versions not stated): ExAC 0.00002; gnomAD exomes 0.00002 and 0.00005; gnomAD 0.00005; TOPMed 0.00005; ESP Exome Variant Server 0.00008.
gnomAD v4.1: 74 of 1,614,092 alleles (0.0046%); highest among the groups gnomAD compares: Non-Finnish European, 0.0062%; no homozygotes.

Submissions (3):

PreventionGenetics, part of Exact Sciences
Classification: Uncertain significance for EP300-related condition. Last evaluated: 2026-05-15. Review status: criteria provided, single submitter. Criteria: ACMG Guidelines, 2015. Collection method: clinical testing. Allele origin: germline.
Comment: The EP300 c.4624A>G variant is predicted to result in the amino acid substitution p.Lys1542Glu. This variant has been reported in individuals with congenital melanocytic nevus syndrome and myeloid neoplasia but no additional studies were performed to assess its pathogenicity (Pawlikowski et al. 2015. PubMed ID: 25815427; Kongkiatkamon et al. 2022. PubMed ID: 34845315). This variant is reported in 0.0040% of alleles in individuals of African descent in gnomAD. At this time, the clinical significance of this variant is uncertain due to the absence of conclusive functional and genetic evidence.

Labcorp Genetics (formerly Invitae), Labcorp
Classification: Likely benign for Rubinstein-Taybi syndrome due to EP300 haploinsufficiency. Last evaluated: 2023-08-02. Review status: criteria provided, single submitter. Criteria: Invitae Variant Classification Sherloc (09022015). Collection method: clinical testing. Allele origin: germline.

GeneDx
Classification: Likely benign. Last evaluated: 2021-04-27. Review status: criteria provided, single submitter. Criteria: GeneDx Variant Classification Process June 2021. Collection method: clinical testing. Allele origin: germline. Affected: yes.
Comment: This variant is associated with the following publications: (PMID: 25815427)